The following is an entry in ClinVar:

ClinVar aggregate classification (germline): Likely pathogenic. Review status: criteria provided, multiple submitters, no conflicts (2 of 4 stars). 4 submissions from 4 submitters: Likely pathogenic (3). 1 of the submissions does not count toward it. Last evaluated 2025-04-13.

Conditions:
MYH7-related disorder. Also called: MYH7-related condition; MYH7-related disease; MYH7-related disorders.
Hypertrophic cardiomyopathy. Also called: HYPERTROPHIC MYOCARDIOPATHY. Identifiers: Orphanet 217569, MedGen C0007194, MeSH D002312, MONDO:0005045, HP:0001639.
Cardiovascular phenotype. Identifiers: MedGen CN230736.
Hypertrophic cardiomyopathy 1 (CMH1). Also called: Familial hypertrophic cardiomyopathy 1; MYH7-Related Familial Hypertrophic Cardiomyopathy. Identifiers: MedGen C3495498, MONDO:0008647, OMIM 192600.

Submissions (4):

Labcorp Genetics (formerly Invitae), Labcorp
Classification: Likely pathogenic for Hypertrophic cardiomyopathy. Last evaluated: 2025-04-13. Review status: criteria provided, single submitter. Criteria: Invitae Variant Classification Sherloc (09022015). Collection method: clinical testing. Allele origin: germline.
Comment: This sequence change replaces arginine, which is basic and polar, with glycine, which is neutral and non-polar, at codon 143 of the MYH7 protein (p.Arg143Gly). This variant is not present in population databases (gnomAD no frequency). This missense change has been observed in individual(s) with hypertrophic cardiomyopathy (PMID: 12820698, 22429680). ClinVar contains an entry for this variant (Variation ID: 2574111). Invitae Evidence Modeling of protein sequence and biophysical properties (such as structural, functional, and spatial information, amino acid conservation, physicochemical variation, residue mobility, and thermodynamic stability) indicates that this missense variant is expected to disrupt MYH7 protein function with a positive predictive value of 95%. This variant disrupts the p.Arg143 amino acid residue in MYH7. Other variant(s) that disrupt this residue have been determined to be pathogenic (PMID: 15358028, 15563892, 21252143, 22765922, 24093860). This suggests that this residue is clinically significant, and that variants that disrupt this residue are likely to be disease-causing. In summary, the currently available evidence indicates that the variant is pathogenic, but additional data are needed to prove that conclusively. Therefore, this variant has been classified as Likely Pathogenic.

Ambry Genetics
Classification: Likely pathogenic for Cardiovascular phenotype. Last evaluated: 2024-06-27. Review status: criteria provided, single submitter. Criteria: Ambry Variant Classification Scheme 2023. Collection method: clinical testing. Allele origin: germline.
Comment: The p.R143G variant (also known as c.427C>G), located in coding exon 3 of the MYH7 gene, results from a C to G substitution at nucleotide position 427. The arginine at codon 143 is replaced by glycine, an amino acid with dissimilar properties. This alteration has been reported in association with hypertrophic cardiomyopathy (HCM) (Mohiddin SA et al. Genet. Test., 2003;7:21-7; Santos S et al. BMC Med. Genet., 2012 Mar;13:17). Two other variants at the same codon, p.R143W (c.427C>G) and p.R143Q (cc.428G>A), have been detected in HCM cohorts (Song L et al. Clin. Chim. Acta. 2005;351:209-16; Mohiddin SA et al. Genet. Test., 2003;7:21-7). This amino acid position is highly conserved in available vertebrate species. In addition, this alteration is predicted to be deleterious by in silico analysis. This variant is considered to be rare based on population cohorts in the Genome Aggregation Database (gnomAD). Based on the majority of available evidence to date, this variant is likely to be pathogenic.

Blueprint Genetics
Classification: Likely pathogenic for MYH7-related disorders. Last evaluated: 2022-12-20. Review status: criteria provided, single submitter. Criteria: ACMG Guidelines, 2015. Collection method: clinical testing. Allele origin: germline. Affected: yes. Observed: 1 variant allele.

deCODE genetics, Amgen
Classification: Likely pathogenic for Hypertrophic cardiomyopathy 1. Last evaluated: 2023-07-21. Review status: no assertion criteria provided. Collection method: research. Allele origin: germline. Affected: yes. Observed: 10 variant alleles. Not counted in ClinVar's aggregate classification.
Comment: The variant NM_000257.4:c.427C>G (chr14:23432714) in MYH7 was detected in 5 heterozygotes out of 58K WGS Icelanders (MAF= 0,004%). Following imputation in a set of 166K Icelanders (10 imputed heterozygotes) we observed an association with hypertrophic cardiomyopathy using 640 cases and 355022 controls (OR= 48.2, P= 2.2e-02). This variant has not been reported in ClinVar previously. Based on ACMG criteria (PS4, PM1, PM5, PP3) this variant classifies as likely pathogenic.

Literature cited by the submitters: PubMed 12820698 (cited by Labcorp Genetics (formerly Invitae), Labcorp and Ambry Genetics); PubMed 22429680 (cited by Labcorp Genetics (formerly Invitae), Labcorp and Ambry Genetics); PubMed 15358028 (cited by Labcorp Genetics (formerly Invitae), Labcorp); PubMed 15563892 (cited by Labcorp Genetics (formerly Invitae), Labcorp); PubMed 21252143 (cited by Labcorp Genetics (formerly Invitae), Labcorp); PubMed 22765922 (cited by Labcorp Genetics (formerly Invitae), Labcorp); PubMed 24093860 (cited by Labcorp Genetics (formerly Invitae), Labcorp); PubMed 21239446 (cited by Ambry Genetics); PubMed 33495597 (cited by Ambry Genetics).

NM_000257.4(MYH7):c.427C>G (p.Arg143Gly)

Gene: MYH7 (myosin heavy chain 7; minus strand). Cytogenetic location: 14q11.2.
Variant type: single nucleotide variant.
Coding change: c.427C>G on transcript NM_000257.4 (MANE Select); coding-DNA position 427, C replaced by G.
Protein change: p.Arg143Gly; replaces arginine 143 with glycine.
Molecular consequence: missense variant.
Genome position (GRCh38, 1-based): chr14:23,432,714, G>C on the plus strand (C>G on the coding strand, the complement: MYH7 is on the minus strand). VCF-style: chr14-23432714-G-C. GRCh37 (hg19) VCF-style: chr14-23901923-G-C.
Other names: c.427C>G, p.Arg143Gly (NM_001407004.1); short protein forms R143G.
Identifiers: ClinVar variation 2574111 (VCV002574111.6), dbSNP rs727503278, ClinGen allele CA257826585.